The following is an entry in ClinVar:

ClinVar aggregate classification (germline): Pathogenic (1 of 4 stars; one submission).

Submission:

Labcorp Genetics (formerly Invitae), Labcorp
Classification: Pathogenic. Last evaluated: 2023-05-02. Review status: criteria provided, single submitter. Criteria: Invitae Variant Classification Sherloc (09022015). Collection method: clinical testing. Allele origin: germline.
Comment: This sequence change creates a premature translational stop signal (p.Trp704Alafs*278) in the MYO15A gene. It is expected to result in an absent or disrupted protein product. Loss-of-function variants in MYO15A are known to be pathogenic (PMID: 17546645). This variant is not present in population databases (gnomAD no frequency). This variant has not been reported in the literature in individuals affected with MYO15A-related conditions. For these reasons, this variant has been classified as Pathogenic.

Literature cited by the submitters: PubMed 17546645.

NM_016239.4(MYO15A):c.2099_2105dup (p.Trp704fs)

Gene: MYO15A (myosin XVA; plus strand). Cytogenetic location: 17p11.2.
Variant type: Duplication.
Coding change: c.2099_2105dup on transcript NM_016239.4 (MANE Select); coding-DNA positions 2099 to 2105, 7 bases duplicated (ACCCGCC; older notation c.2099_2105dupACCCGCC).
Protein change: p.Trp704fs; shifts the reading frame from tryptophan 704.
Molecular consequence: frameshift variant.
Genome position (GRCh38, 1-based): chr17:18,120,899-18,120,905, ACCCGCC duplicated; duplicating any 7 consecutive bases within chr17:18,120,894-18,120,905 gives the same sequence; the c. name uses the placement nearest the transcript's 3' end. VCF-style (leftmost placement, unchanged base first): chr17-18120893-G-GCCGCCAC. GRCh37 (hg19) VCF-style: chr17-18024207-G-GCCGCCAC.
Other names: short protein forms W704fs.
Identifiers: ClinVar variation 2861434 (VCV002861434.3), dbSNP rs2545184852, ClinGen allele CA2739267202.
Genomic context (GRCh38, chr17:18,120,893, plus strand): 5'-CGCCGCTCTCCCCGGCGCTCTCGGGCCTGCCCCGGCCGGCCTCGCCCTACGGCTCCCTCC[G>GCCGCCAC]CCGCCACCCGCCGCCCTGGGCCGCCCCAGCGCACGTGCCACCGGCGCCGCAGGCCAGCTG-3'